The following is an entry in ClinVar:

NM_001940.4(ATN1):c.3095C>T (p.Ala1032Val)

Gene: ATN1 (atrophin 1; plus strand). Cytogenetic location: 12p13.31.
Variant type: single nucleotide variant.
Coding change: c.3095C>T on transcript NM_001940.4 (MANE Select); coding-DNA position 3095, C replaced by T.
Protein change: p.Ala1032Val; replaces alanine 1032 with valine.
Molecular consequence: missense variant.
Genome position (GRCh38, 1-based): chr12:6,939,058, C>T. VCF-style: chr12-6939058-C-T. GRCh37 (hg19) VCF-style: chr12-7048221-C-T.
Other names: c.3095C>T, p.Ala1032Val (NM_001007026.2, NM_001424176.1, NM_001424177.1 and 1 more transcripts); c.3092C>T, p.Ala1031Val (NM_001424179.1, NM_001424180.1); c.3074C>T, p.Ala1025Val (NM_001424181.1); c.3071C>T, p.Ala1024Val (NM_001424182.1); short protein forms A1024V, A1025V, A1031V, A1032V.
Identifiers: ClinVar variation 3038193 (VCV003038193.2), dbSNP rs140583379, ClinGen allele CA6420934.
Genomic context (GRCh38, chr12:6,939,058, plus strand): 5'-GGCCTGACATGTCCTATGCTGAGCGGCTGGCAGCTGAGAGGCAGCACGCAGAAAGGGTGG[C>T]GGCCCTGGGCAATGACCCACTGGCCCGGCTGCAGATGCTCAATGTGACTCCCCATCACCA-3'
Protein context (NP_001931.2, residues 1022-1042): AAERQHAERV[Ala1032Val]ALGNDPLARL

ClinVar aggregate classification (germline): Likely benign (0 of 4 stars; one submission).

Conditions:
ATN1-related disorder. Also called: ATN1-related disorders; ATN1-related condition.

Allele frequency attached by ClinVar (database versions not stated): ExAC 0.00035; 1000 Genomes Project 0.00080; TOPMed 0.00091; 1000 Genomes Project 30x 0.00094; ESP Exome Variant Server 0.00100.
gnomAD v4.1: 256 of 1,605,336 alleles (0.016%); highest among the groups gnomAD compares: African/African-American, 0.23%; no homozygotes.

Submission:

PreventionGenetics, part of Exact Sciences
Classification: Likely benign for ATN1-related condition. Last evaluated: 2019-05-03. Review status: no assertion criteria provided. Collection method: clinical testing. Allele origin: germline.
Comment: This variant is classified as likely benign based on ACMG/AMP sequence variant interpretation guidelines (Richards et al. 2015 PMID: 25741868, with internal and published modifications).